The following is an entry in ClinVar:

NM_152443.3(RDH12):c.165G>A (p.Thr55=)

Genes: GPHN (gephyrin; plus strand), RDH12 (retinol dehydrogenase 12; plus strand). Cytogenetic location: 14q24.1.
Variant type: single nucleotide variant.
Coding change: c.165G>A on transcript NM_152443.3 (MANE Select); coding-DNA position 165, G replaced by A.
Protein change: p.Thr55=; no amino-acid change (threonine 55 retained).
Molecular consequence: synonymous variant.
Genome position (GRCh38, 1-based): chr14:67,724,569, G>A. VCF-style: chr14-67724569-G-A. GRCh37 (hg19) VCF-style: chr14-68191286-G-A.
Identifiers: ClinVar variation 791429 (VCV000791429.12), dbSNP rs751674066, ClinGen allele CA7238618.

ClinVar aggregate classification (germline): Likely benign. Review status: criteria provided, multiple submitters, no conflicts (2 of 4 stars). 4 submissions from 4 submitters: Likely benign (3). 1 of the submissions does not count toward it. Last evaluated 2026-01-26.

Conditions:
RDH12-related disorder. Also called: RDH12-related disorders; RDH12-related condition.
Leber congenital amaurosis (LCA). Also called: Leber's amaurosis. Identifiers: Orphanet 65, MedGen C0339527, MeSH D057130, MONDO:0018998.
Leber congenital amaurosis 13 (LCA13). Identifiers: MedGen C2675186, MONDO:0012990, OMIM 612712.

Allele frequency attached by ClinVar (database versions not stated): gnomAD 0.00001; TOPMed 0.00002.
gnomAD v4.1: 21 of 1,613,496 alleles (0.0013%); highest among the groups gnomAD compares: Non-Finnish European, 0.0018%; no homozygotes.

Submissions (4):

Labcorp Genetics (formerly Invitae), Labcorp
Classification: Likely benign for Leber congenital amaurosis 13. Last evaluated: 2026-01-26. Review status: criteria provided, single submitter. Criteria: Invitae Variant Classification Sherloc (09022015). Collection method: clinical testing. Allele origin: germline.

PreventionGenetics, part of Exact Sciences
Classification: Likely benign for RDH12-related condition. Last evaluated: 2025-12-14. Review status: criteria provided, single submitter. Criteria: ACMG Guidelines, 2015. Collection method: clinical testing. Allele origin: germline.
Comment: This variant is classified as likely benign based on ACMG/AMP sequence variant interpretation guidelines (Richards et al. 2015 PMID: 25741868, with internal and published modifications).

Blueprint Genetics
Classification: Likely benign. Last evaluated: 2021-10-15. Review status: criteria provided, single submitter. Criteria: ACMG Guidelines, 2015. Collection method: clinical testing. Allele origin: germline.

Natera, Inc.
Classification: Uncertain significance for Leber congenital amaurosis. Last evaluated: 2020-08-14. Review status: no assertion criteria provided. Collection method: clinical testing. Allele origin: germline. Not counted in ClinVar's aggregate classification.